The following is an entry in ClinVar:

NM_001184.4(ATR):c.2226T>G (p.Cys742Trp)

Gene: ATR (ATR checkpoint kinase; minus strand). Cytogenetic location: 3q23.
Variant type: single nucleotide variant.
Coding change: c.2226T>G on transcript NM_001184.4 (MANE Select); coding-DNA position 2226, T replaced by G.
Protein change: p.Cys742Trp; replaces cysteine 742 with tryptophan.
Molecular consequence: missense variant.
Genome position (GRCh38, 1-based): chr3:142,555,992, A>C on the plus strand (T>G on the coding strand, the complement: ATR is on the minus strand). VCF-style: chr3-142555992-A-C. GRCh37 (hg19) VCF-style: chr3-142274834-A-C.
Other names: c.2034T>G, p.Cys678Trp (NM_001354579.2); short protein forms C678W, C742W.
Identifiers: ClinVar variation 1788007 (VCV001788007.2), dbSNP rs147895945, ClinGen allele CA354818719.

ClinVar aggregate classification (germline): Uncertain significance (1 of 4 stars; one submission).

Conditions:
Inborn genetic diseases. Identifiers: MedGen C0950123, MeSH D030342.

Submission:

Ambry Genetics
Classification: Uncertain significance for Inborn genetic diseases. Last evaluated: 2022-03-16. Review status: criteria provided, single submitter. Criteria: Ambry Variant Classification Scheme 2023. Collection method: clinical testing. Allele origin: germline.
Comment: The p.C742W variant (also known as c.2226T>G), located in coding exon 10 of the ATR gene, results from a T to G substitution at nucleotide position 2226. The cysteine at codon 742 is replaced by tryptophan, an amino acid with highly dissimilar properties. This amino acid position is conserved. In addition, the in silico prediction for this alteration is inconclusive. Since supporting evidence is limited at this time, the clinical significance of this alteration remains unclear.